The following is an entry in ClinVar:

ClinVar aggregate classification (germline): Uncertain significance (1 of 4 stars; one submission).

Allele frequency attached by ClinVar (database versions not stated): gnomAD exomes below 0.00001; ESP Exome Variant Server 0.00008.
gnomAD v4.1: 2 of 1,612,950 alleles (0.00012%); highest among the groups gnomAD compares: Admixed American, 0.0017%; no homozygotes.

Submission:

Women's Health and Genetics/Laboratory Corporation of America, LabCorp
Classification: Uncertain significance. Last evaluated: 2023-12-14. Review status: criteria provided, single submitter. Criteria: LabCorp Variant Classification Summary - May 2015. Collection method: clinical testing. Allele origin: germline.
Comment: Variant summary: APC2 c.1760A>G (p.Tyr587Cys) results in a non-conservative amino acid change in the encoded protein sequence. Four of five in-silico tools predict a damaging effect of the variant on protein function. The variant allele was found at a frequency of 4e-06 in 250340 control chromosomes (gnomAD). The available data on variant occurrences in the general population are insufficient to allow any conclusion about variant significance. To our knowledge, no occurrence of c.1760A>G in individuals affected with APC2-Related Disorders and no experimental evidence demonstrating its impact on protein function have been reported. No submitters have cited clinical-significance assessments for this variant to ClinVar after 2014. Based on the evidence outlined above, the variant was classified as uncertain significance.

NM_005883.3(APC2):c.1760A>G (p.Tyr587Cys)

Gene: APC2 (APC regulator of WNT signaling pathway 2; plus strand). Cytogenetic location: 19p13.3.
Variant type: single nucleotide variant.
Coding change: c.1760A>G on transcript NM_005883.3 (MANE Select); coding-DNA position 1760, A replaced by G.
Protein change: p.Tyr587Cys; replaces tyrosine 587 with cysteine.
Molecular consequence: missense variant.
Genome position (GRCh38, 1-based): chr19:1,462,084, A>G. VCF-style: chr19-1462084-A-G. GRCh37 (hg19) VCF-style: chr19-1462083-A-G.
Other names: c.1757A>G, p.Tyr586Cys (NM_001351273.1); short protein forms Y586C, Y587C.
Identifiers: ClinVar variation 2691700 (VCV002691700.1), dbSNP rs143029309, ClinGen allele CA304070394.